The following is an entry in ClinVar:

ClinVar aggregate classification (germline): Uncertain significance. Review status: criteria provided, multiple submitters, no conflicts (2 of 4 stars). 3 submissions from 3 submitters: Uncertain significance (3). Last evaluated 2024-03-02.

Conditions:
Hereditary cancer-predisposing syndrome. Also called: Hereditary Cancer Syndrome; Hereditary neoplastic syndrome; Tumor predisposition; Neoplastic Syndromes, Hereditary. Identifiers: Orphanet 140162, MedGen C0027672, MeSH D009386, MONDO:0015356.
Familial cancer of breast. Also called: BREAST CANCER, FAMILIAL; hereditary breast carcinoma; Hereditary breast cancer. Identifiers: Orphanet 227535, MedGen C0346153, MONDO:0016419, OMIM 114480. Disease mechanism: loss of function.

gnomAD v4.1: 3 of 1,614,014 alleles (0.00019%); highest among the groups gnomAD compares: Non-Finnish European, 0.00025%; no homozygotes.

Submissions (3):

Labcorp Genetics (formerly Invitae), Labcorp
Classification: Uncertain significance for Familial cancer of breast. Last evaluated: 2024-03-02. Review status: criteria provided, single submitter. Criteria: Invitae Variant Classification Sherloc (09022015). Collection method: clinical testing. Allele origin: germline.
Comment: This sequence change replaces methionine, which is neutral and non-polar, with leucine, which is neutral and non-polar, at codon 560 of the BARD1 protein (p.Met560Leu). This variant is not present in population databases (gnomAD no frequency). This variant has not been reported in the literature in individuals affected with BARD1-related conditions. ClinVar contains an entry for this variant (Variation ID: 127719). Algorithms developed to predict the effect of missense changes on protein structure and function output the following: SIFT: "Not Available"; PolyPhen-2: "Benign"; Align-GVGD: "Not Available". The leucine amino acid residue is found in multiple mammalian species, which suggests that this missense change does not adversely affect protein function. In summary, the available evidence is currently insufficient to determine the role of this variant in disease. Therefore, it has been classified as a Variant of Uncertain Significance.

Ambry Genetics
Classification: Uncertain significance for Hereditary cancer-predisposing syndrome. Last evaluated: 2023-12-29. Review status: criteria provided, single submitter. Criteria: Ambry Variant Classification Scheme 2023. Collection method: clinical testing. Allele origin: germline.
Comment: The p.M560L variant (also known as c.1678A>C) is located in coding exon 8 of the BARD1 gene. The methionine at codon 560 is replaced by leucine, an amino acid with highly similar properties. This change occurs in the first base pair of coding exon 8. This variant was not reported in population based cohorts in the following databases: Database of Single Nucleotide Polymorphisms (dbSNP), NHLBI Exome Sequencing Project (ESP), and 1000 Genomes Project. In the ESP, this variant was not observed in 6503 samples (13006 alleles) with coverage at this position. To date, this alteration has been detected with an allele frequency of approximately 0.001% (greater than 175000 alleles tested) in our clinical cohort. This amino acid position is poorly conserved in available vertebrate species. In addition, this alteration is predicted to be tolerated by in silico analysis. Since supporting evidence is limited at this time, the clinical significance of this alteration remains unclear.

GeneDx
Classification: Uncertain significance. Last evaluated: 2014-01-15. Review status: criteria provided, single submitter. Criteria: GeneDx Variant Classification (06012015). Collection method: clinical testing. Allele origin: germline. Affected: yes.
Comment: This variant is denoted BARD1 c.1678A>C at the cDNA level, p.Met560Leu (M560L) at the protein level, and results in the change of a Methionine to a Leucine (ATG>CTG). This variant has not, to our knowledge, been published in the literature as pathogenic or benign. BARD1 Met560Leu was not observed in approximately 6,500 individuals of European and African American ancestry in the NHLBI Exome Sequencing Project, indicating it is not a common benign variant in these populations. This variant is a conservative substitution of one neutral non-polar amino acid for another, altering a position that is only moderately conserved throughout evolution and is located in the BRCT 1 domain (UniProt). In silico analyses predict this variant to have a benign effect on protein structure and function. Based on the currently available information, we consider BARD1 Met560Leu to be a variant of uncertain significance. Furthermore, BARD1 has been only recently described in association with cancer predisposition and the risks are not well understood.

NM_000465.4(BARD1):c.1678A>C (p.Met560Leu)

Gene: BARD1 (BRCA1 associated RING domain 1; minus strand). Cytogenetic location: 2q35.
Variant type: single nucleotide variant.
Coding change: c.1678A>C on transcript NM_000465.4 (MANE Select); coding-DNA position 1678, A replaced by C.
Protein change: p.Met560Leu; replaces methionine 560 with leucine.
Molecular consequence: missense variant. On other transcripts: non-coding transcript variant (3), intron variant (1).
Genome position (GRCh38, 1-based): chr2:214,745,854, T>G on the plus strand (A>C on the coding strand, the complement: BARD1 is on the minus strand). VCF-style: chr2-214745854-T-G. GRCh37 (hg19) VCF-style: chr2-215610578-T-G.
Other names: p.M560L:ATG>CTG; c.1621A>C, p.Met541Leu (NM_001282543.2); c.325A>C, p.Met109Leu (NM_001282545.2); c.268A>C, p.Met90Leu (NM_001282548.2); c.365-15346A>C (NM_001282549.2); short protein forms M560L, M109L, M541L, M90L.
Identifiers: ClinVar variation 127719 (VCV000127719.17), dbSNP rs587780020, ClinGen allele CA331814.